The following is an entry in ClinVar:

ClinVar aggregate classification (germline): Uncertain significance (1 of 4 stars; one submission).

gnomAD v4.1: 2 of 1,612,354 alleles (0.00012%); highest among the groups gnomAD compares: South Asian, 0.0011%; no homozygotes.

Submission:

GeneDx
Classification: Uncertain significance. Last evaluated: 2026-03-24. Review status: criteria provided, single submitter. Criteria: GeneDx Variant Classification Process June 2021. Collection method: clinical testing. Allele origin: germline.
Comment: In silico analysis supports a deleterious effect on splicing; Has not been previously published as pathogenic or benign to our knowledge; Reported using an alternate transcript of the gene

NM_020988.3(GNAO1):c.723+3963C>G

Gene: GNAO1 (G protein subunit alpha o1; plus strand). Cytogenetic location: 16q13.
Variant type: single nucleotide variant.
Coding change: c.723+3963C>G on transcript NM_020988.3 (MANE Select); 3963 bases into the intron after coding-DNA position 723, C replaced by G.
Molecular consequence: intron variant.
Genome position (GRCh38, 1-based): chr16:56,340,823, C>G. VCF-style: chr16-56340823-C-G. GRCh37 (hg19) VCF-style: chr16-56374735-C-G.
Other names: c.724-11C>G (NM_138736.3).
Identifiers: ClinVar variation 5017004 (VCV005017004.1).